The following is an entry in ClinVar:

NM_000195.5(HPS1):c.1018C>T (p.Pro340Ser)

Gene: HPS1 (HPS1 biogenesis of lysosomal organelles complex 3 subunit 1; minus strand). Cytogenetic location: 10q24.2.
Variant type: single nucleotide variant.
Coding change: c.1018C>T on transcript NM_000195.5 (MANE Select); coding-DNA position 1018, C replaced by T.
Protein change: p.Pro340Ser; replaces proline 340 with serine.
Molecular consequence: missense variant.
Genome position (GRCh38, 1-based): chr10:98,425,955, G>A on the plus strand (C>T on the coding strand, the complement: HPS1 is on the minus strand). VCF-style: chr10-98425955-G-A. GRCh37 (hg19) VCF-style: chr10-100185712-G-A.
Other names: c.46C>T, p.Pro16Ser (NM_001311345.2, NM_001322487.2, NM_001322489.2); c.1018C>T, p.Pro340Ser (NM_001322476.2, NM_001322477.2); c.919C>T, p.Pro307Ser (NM_001322478.2, NM_001322479.2); c.757C>T, p.Pro253Ser (NM_001322480.2, NM_001322481.2); c.658C>T, p.Pro220Ser (NM_001322482.2); c.649C>T, p.Pro217Ser (NM_001322483.2, NM_001322484.2); c.550C>T, p.Pro184Ser (NM_001322485.2); short protein forms P16S, P184S, P217S, P220S, P253S, P307S, P340S.
Identifiers: ClinVar variation 1719670 (VCV001719670.5), dbSNP rs987840036, ClinGen allele CA378048545.

ClinVar aggregate classification (germline): Uncertain significance (1 of 4 stars; one submission).

Submission:

Labcorp Genetics (formerly Invitae), Labcorp
Classification: Uncertain significance. Last evaluated: 2026-01-12. Review status: criteria provided, single submitter. Criteria: Invitae Variant Classification Sherloc (09022015). Collection method: clinical testing. Allele origin: germline.
Comment: This sequence change replaces proline, which is neutral and non-polar, with serine, which is neutral and polar, at codon 340 of the HPS1 protein (p.Pro340Ser). This variant is not present in population databases (gnomAD no frequency). This variant has not been reported in the literature in individuals affected with HPS1-related conditions. ClinVar contains an entry for this variant (Variation ID: 1719670). Invitae Evidence Modeling of protein sequence and biophysical properties (such as structural, functional, and spatial information, amino acid conservation, physicochemical variation, residue mobility, and thermodynamic stability) indicates that this missense variant is not expected to disrupt HPS1 protein function with a negative predictive value of 95%. In summary, the available evidence is currently insufficient to determine the role of this variant in disease. Therefore, it has been classified as a Variant of Uncertain Significance.